The following is an entry in ClinVar:

NM_001162501.2(TNRC6B):c.5303G>A (p.Gly1768Glu)

Gene: TNRC6B (trinucleotide repeat containing adaptor 6B; plus strand). Cytogenetic location: 22q13.1.
Variant type: single nucleotide variant.
Coding change: c.5303G>A on transcript NM_001162501.2 (MANE Select); coding-DNA position 5303, G replaced by A.
Protein change: p.Gly1768Glu; replaces glycine 1768 with glutamic acid.
Molecular consequence: missense variant.
Genome position (GRCh38, 1-based): chr22:40,323,042, G>A. VCF-style: chr22-40323042-G-A. GRCh37 (hg19) VCF-style: chr22-40719046-G-A.
Other names: c.2891G>A, p.Gly964Glu (NM_001024843.2); c.4973G>A, p.Gly1658Glu (NM_015088.3); short protein forms G1658E, G1768E, G964E.
Identifiers: ClinVar variation 2136136 (VCV002136136.2), dbSNP rs2071357670, ClinGen allele CA411672087.

ClinVar aggregate classification (germline): Uncertain significance. Review status: criteria provided, single submitter (1 of 4 stars). 2 submissions from 2 submitters: Uncertain significance (1). 1 of the submissions does not count toward it. Last evaluated 2023-01-19.

Conditions:
TNRC6B-related disorder. Also called: TNRC6B-related condition.

gnomAD v4.1: 5 of 1,601,260 alleles (0.00031%); highest among the groups gnomAD compares: Non-Finnish European, 0.00043%; no homozygotes.

Submissions (2):

GeneDx
Classification: Uncertain significance. Last evaluated: 2023-01-19. Review status: criteria provided, single submitter. Criteria: GeneDx Variant Classification Process June 2021. Collection method: clinical testing. Allele origin: germline. Affected: yes.
Comment: Not observed at significant frequency in large population cohorts (gnomAD); In silico analysis supports that this missense variant has a deleterious effect on splicing; In silico analysis supports that this missense variant does not alter protein structure/function; Has not been previously published as pathogenic or benign to our knowledge

PreventionGenetics, part of Exact Sciences
Classification: Uncertain significance for TNRC6B-related condition. Last evaluated: 2024-04-02. Review status: no assertion criteria provided. Collection method: clinical testing. Allele origin: germline. Not counted in ClinVar's aggregate classification.
Comment: The TNRC6B c.5303G>A variant is predicted to result in the amino acid substitution p.Gly1768Glu. To our knowledge, this variant has not been reported in the literature or in a large population database, indicating this variant is rare. At this time, the clinical significance of this variant is uncertain due to the absence of conclusive functional and genetic evidence.